The following is an entry in ClinVar:

ClinVar aggregate classification (germline): Uncertain significance (1 of 4 stars; one submission).

Conditions:
Tuberous sclerosis 1 (TSC1). Identifiers: Orphanet 805, MedGen C1854465, MONDO:0008612, OMIM 191100.

Submission:

Labcorp Genetics (formerly Invitae), Labcorp
Classification: Uncertain significance for Tuberous sclerosis 1. Last evaluated: 2022-01-28. Review status: criteria provided, single submitter. Criteria: Invitae Variant Classification Sherloc (09022015). Collection method: clinical testing. Allele origin: germline.
Comment: This variant has not been reported in the literature in individuals affected with TSC1-related conditions. This sequence change replaces threonine, which is neutral and polar, with serine, which is neutral and polar, at codon 1047 of the TSC1 protein (p.Thr1047Ser). This variant is not present in population databases (gnomAD no frequency). Algorithms developed to predict the effect of missense changes on protein structure and function (SIFT, PolyPhen-2, Align-GVGD) all suggest that this variant is likely to be tolerated. In summary, the available evidence is currently insufficient to determine the role of this variant in disease. Therefore, it has been classified as a Variant of Uncertain Significance.

NM_000368.5(TSC1):c.3140C>G (p.Thr1047Ser)

Gene: TSC1 (TSC complex subunit 1; minus strand). Cytogenetic location: 9q34.13.
Variant type: single nucleotide variant.
Coding change: c.3140C>G on transcript NM_000368.5 (MANE Select); coding-DNA position 3140, C replaced by G.
Protein change: p.Thr1047Ser; replaces threonine 1047 with serine.
Molecular consequence: missense variant.
Genome position (GRCh38, 1-based): chr9:132,896,590, G>C on the plus strand (C>G on the coding strand, the complement: TSC1 is on the minus strand). VCF-style: chr9-132896590-G-C. GRCh37 (hg19) VCF-style: chr9-135771977-G-C.
Other names: c.3137C>G, p.Thr1046Ser (NM_001162426.2); c.2987C>G, p.Thr996Ser (NM_001162427.2); c.2777C>G, p.Thr926Ser (NM_001362177.2); short protein forms T1046S, T926S, T996S, T1047S.
Identifiers: ClinVar variation 1489064 (VCV001489064.8), dbSNP rs587778726, ClinGen allele CA375367266.